The following is an entry in ClinVar:

ClinVar aggregate classification (germline): Likely pathogenic (1 of 4 stars; one submission).

Conditions:
Epilepsy, familial focal, with variable foci 1 (FFEVF1). Also called: DEPDC5-Related Epilepsy. Identifiers: MedGen C4551983, MONDO:0024556, OMIM 604364.

Submission:

HUSP Clinical Genetics Laboratory, Hospital Universitario San Pedro De Logroño (HUSP)
Classification: Likely pathogenic for Epilepsy, familial focal, with variable foci 1. Review status: criteria provided, single submitter. Criteria: ACMG/ClinGen CNV Guidelines, 2019. Collection method: clinical testing. Allele origin: paternal. Inheritance: Autosomal dominant inheritance. Affected: yes. Observed: 4 variant alleles. Clinical features observed: Seizure (HP:0001250).
Comment: It is a structural variant of 18.5 kb which includes exons 27 to 32 of gen DEPDC5 (NM_001369902.1). Pathogenic variants in DEPDC5 have been associated with Epilepsy Familial Focal with Variable Foci (OMIM:604364). This entity has autosomal dominant inheritance with incomplete penetrance. Clinical features tend to manifest in the first or second decade of life and phenotype is variable even in intrafamily members.

GRCh37/hg19 22q12.3(chr22:32238995-32257471)

Gene: DEPDC5 (DEP domain containing 5, GATOR1 subcomplex subunit; plus strand). Cytogenetic location: 22q12.3.
Variant type: copy number gain.
Identifiers: ClinVar variation 3237195 (VCV003237195.1).